The following is an entry in ClinVar:

NM_001349253.2(SCN11A):c.3393+1G>A

Gene: SCN11A (sodium voltage-gated channel alpha subunit 11; minus strand). Cytogenetic location: 3p22.2.
Variant type: single nucleotide variant.
Coding change: c.3393+1G>A on transcript NM_001349253.2 (MANE Select); the canonical splice donor site of the intron after coding-DNA position 3393, G replaced by A.
Molecular consequence: splice donor variant.
Genome position (GRCh38, 1-based): chr3:38,879,949, C>T on the plus strand (G>A on the coding strand, the complement: SCN11A is on the minus strand). VCF-style: chr3-38879949-C-T. GRCh37 (hg19) VCF-style: chr3-38921440-C-T.
Other names: c.3393+1G>A (NM_014139.3).
Identifiers: ClinVar variation 1428185 (VCV001428185.6), dbSNP rs768826766, ClinGen allele CA352172466.

ClinVar aggregate classification (germline): Uncertain significance (1 of 4 stars; one submission).

Conditions:
Hereditary sensory and autonomic neuropathy type 7. Also called: Neuropathy, hereditary sensory and autonomic, type VII; HSAN VII. Identifiers: Orphanet 391397, MedGen C3809882, MONDO:0014244, OMIM 615548.
Familial episodic pain syndrome with predominantly lower limb involvement. Also called: Episodic pain syndrome, familial, 3. Identifiers: Orphanet 391384, Orphanet 391392, MedGen C3809899, MONDO:0014247, OMIM 615552.

gnomAD v4.1: 6 of 1,611,512 alleles (0.00037%); highest among the groups gnomAD compares: South Asian, 0.0011%; no homozygotes.

Submission:

Labcorp Genetics (formerly Invitae), Labcorp
Classification: Uncertain significance for Familial episodic pain syndrome with predominantly lower limb involvement; Hereditary sensory and autonomic neuropathy type 7. Last evaluated: 2025-07-02. Review status: criteria provided, single submitter. Criteria: Invitae Variant Classification Sherloc (09022015). Collection method: clinical testing. Allele origin: germline.
Comment: This sequence change affects a donor splice site in intron 19 of the SCN11A gene. It is expected to disrupt RNA splicing. Variants that disrupt the donor or acceptor splice site typically lead to a loss of protein function (PMID: 16199547), however the current clinical and genetic evidence is not sufficient to establish whether loss-of-function variants in SCN11A cause disease. This variant is not present in population databases (gnomAD no frequency). This variant has not been reported in the literature in individuals affected with SCN11A-related conditions. ClinVar contains an entry for this variant (Variation ID: 1428185). Algorithms developed to predict the effect of sequence changes on RNA splicing suggest that this variant may disrupt the consensus splice site. In summary, the available evidence is currently insufficient to determine the role of this variant in disease. Therefore, it has been classified as a Variant of Uncertain Significance.

Literature cited by the submitters: PubMed 16199547.